The following is an entry in ClinVar:

NM_000240.4(MAOA):c.1438-3T>C

Gene: MAOA (monoamine oxidase A; plus strand). Cytogenetic location: Xp11.3.
Variant type: single nucleotide variant.
Coding change: c.1438-3T>C on transcript NM_000240.4 (MANE Select); 3 bases into the intron before coding-DNA position 1438, T replaced by C.
Molecular consequence: intron variant.
Genome position (GRCh38, 1-based): chrX:43,744,364, T>C. VCF-style: chrX-43744364-T-C. GRCh37 (hg19) VCF-style: chrX-43603611-T-C.
Other names: c.1438-3T>C (NM_000240.3); c.1039-3T>C (NM_001270458.2).
Identifiers: ClinVar variation 1434925 (VCV001434925.9), dbSNP rs202232897, ClinGen allele CA10390992.

ClinVar aggregate classification (germline): Conflicting classifications of pathogenicity. Review status: criteria provided, conflicting classifications (1 of 4 stars). 3 submissions from 3 submitters: Uncertain significance (1); Likely benign (1). 1 of the submissions does not count toward it. Last evaluated 2026-05-01.

Conditions:
MAOA-related disorder. Also called: MAOA-related condition.
Brunner syndrome (BRNRS). Identifiers: Orphanet 3057, MedGen C0796275, MONDO:0010379, OMIM 300615.

Allele frequency attached by ClinVar (database versions not stated): ExAC 0.00001; gnomAD exomes 0.00002 and 0.00006; gnomAD 0.00019 and 0.00020; 1000 Genomes Project 30x 0.00021; 1000 Genomes Project 0.00026; TOPMed 0.00027.
gnomAD v4.1: 50 of 1,209,339 alleles (0.0041%); highest among the groups gnomAD compares: Admixed American, 0.1%; no homozygotes.

Submissions (3):

CeGaT Center for Human Genetics Tuebingen
Classification: Likely benign. Last evaluated: 2026-05-01. Review status: criteria provided, single submitter. Criteria: CeGaT Center For Human Genetics Tuebingen Variant Classification Criteria Version 2. Collection method: clinical testing. Allele origin: germline. Affected: yes. Observed: 1 variant allele.
Comment: MAOA: BP4, BS2

Labcorp Genetics (formerly Invitae), Labcorp
Classification: Uncertain significance for Brunner syndrome. Last evaluated: 2025-04-30. Review status: criteria provided, single submitter. Criteria: Invitae Variant Classification Sherloc (09022015). Collection method: clinical testing. Allele origin: germline.
Comment: This sequence change falls in intron 14 of the MAOA gene. It does not directly change the encoded amino acid sequence of the MAOA protein. It affects a nucleotide within the consensus splice site. This variant is present in population databases (rs202232897, gnomAD 0.04%), and has an allele count higher than expected for a pathogenic variant. This variant has not been reported in the literature in individuals affected with MAOA-related conditions. ClinVar contains an entry for this variant (Variation ID: 1434925). Variants that disrupt the consensus splice site are a relatively common cause of aberrant splicing (PMID: 17576681, 9536098). Algorithms developed to predict the effect of sequence changes on RNA splicing suggest that this variant is not likely to affect RNA splicing. In summary, the available evidence is currently insufficient to determine the role of this variant in disease. Therefore, it has been classified as a Variant of Uncertain Significance.

PreventionGenetics, part of Exact Sciences
Classification: Likely benign for MAOA-related condition. Last evaluated: 2019-05-24. Review status: no assertion criteria provided. Collection method: clinical testing. Allele origin: germline. Not counted in ClinVar's aggregate classification.
Comment: This variant is classified as likely benign based on ACMG/AMP sequence variant interpretation guidelines (Richards et al. 2015 PMID: 25741868, with internal and published modifications).

Literature cited by the submitters: PubMed 17576681 (cited by Labcorp Genetics (formerly Invitae), Labcorp); PubMed 9536098 (cited by Labcorp Genetics (formerly Invitae), Labcorp).